The following is an entry in ClinVar:

ClinVar aggregate classification (germline): Uncertain significance. Review status: criteria provided, multiple submitters, no conflicts (2 of 4 stars). 4 submissions from 4 submitters: Uncertain significance (4). Last evaluated 2025-05-19.

Conditions:
Familial thoracic aortic aneurysm and aortic dissection (TAAD). Also called: Thoracic aortic aneurysms and dissections. Identifiers: Orphanet 91387, MedGen C4707243, MONDO:0019625.

Allele frequency attached by ClinVar (database versions not stated): gnomAD exomes below 0.00001; TOPMed 0.00002.
gnomAD v4.1: 2 of 1,614,066 alleles (0.00012%); highest among the groups gnomAD compares: Non-Finnish European, 0.00017%; no homozygotes.

Submissions (4):

Labcorp Genetics (formerly Invitae), Labcorp
Classification: Uncertain significance for Familial thoracic aortic aneurysm and aortic dissection. Last evaluated: 2025-05-19. Review status: criteria provided, single submitter. Criteria: Invitae Variant Classification Sherloc (09022015). Collection method: clinical testing. Allele origin: germline.
Comment: This sequence change replaces valine, which is neutral and non-polar, with methionine, which is neutral and non-polar, at codon 294 of the SMAD3 protein (p.Val294Met). This variant is not present in population databases (gnomAD no frequency). This missense change has been observed in individual(s) with clinical features of SMAD3-related conditions (PMID: 38259611). ClinVar contains an entry for this variant (Variation ID: 213770). Invitae Evidence Modeling of protein sequence and biophysical properties (such as structural, functional, and spatial information, amino acid conservation, physicochemical variation, residue mobility, and thermodynamic stability) indicates that this missense variant is expected to disrupt SMAD3 protein function with a positive predictive value of 80%. In summary, the available evidence is currently insufficient to determine the role of this variant in disease. Therefore, it has been classified as a Variant of Uncertain Significance.

Ambry Genetics
Classification: Uncertain significance for Familial thoracic aortic aneurysm and aortic dissection. Last evaluated: 2025-03-13. Review status: criteria provided, single submitter. Criteria: Ambry Variant Classification Scheme 2023. Collection method: clinical testing. Allele origin: germline.
Comment: The p.V294M variant (also known as c.880G>A), located in coding exon 7 of the SMAD3 gene, results from a G to A substitution at nucleotide position 880. The valine at codon 294 is replaced by methionine, an amino acid with highly similar properties. This amino acid position is highly conserved in available vertebrate species. In addition, this alteration is predicted to be deleterious by in silico analysis. Based on the available evidence, the clinical significance of this variant remains unclear.

GeneDx
Classification: Uncertain significance. Last evaluated: 2022-08-24. Review status: criteria provided, single submitter. Criteria: GeneDx Variant Classification Process June 2021. Collection method: clinical testing. Allele origin: germline. Affected: yes.
Comment: Has not been previously published as pathogenic or benign to our knowledge; Not observed in large population cohorts (gnomAD); In silico analysis supports that this missense variant has a deleterious effect on protein structure/function

Color Diagnostics, LLC DBA Color Health
Classification: Uncertain significance for Familial thoracic aortic aneurysm and aortic dissection. Last evaluated: 2021-12-06. Review status: criteria provided, single submitter. Criteria: ACMG Guidelines, 2015. Collection method: clinical testing. Allele origin: germline.
Comment: This missense variant replaces valine with methionine at codon 294 of the SMAD3 protein. Computational prediction suggests that this variant may have deleterious impact on protein structure and function (internally defined REVEL score threshold >= 0.7, PMID: 27666373). To our knowledge, functional studies have not been reported for this variant. This variant has not been reported in individuals affected with cardiovascular disorders in the literature. This variant has not been identified in the general population by the Genome Aggregation Database (gnomAD). The available evidence is insufficient to determine the role of this variant in disease conclusively. Therefore, this variant is classified as a Variant of Uncertain Significance.

Literature cited by the submitters: PubMed 38259611 (cited by Labcorp Genetics (formerly Invitae), Labcorp and Ambry Genetics).

NM_005902.4(SMAD3):c.880G>A (p.Val294Met)

Gene: SMAD3 (SMAD family member 3; plus strand). Cytogenetic location: 15q22.33.
Variant type: single nucleotide variant.
Coding change: c.880G>A on transcript NM_005902.4 (MANE Select); coding-DNA position 880, G replaced by A.
Protein change: p.Val294Met; replaces valine 294 with methionine.
Molecular consequence: missense variant.
Genome position (GRCh38, 1-based): chr15:67,184,735, G>A. VCF-style: chr15-67184735-G-A. GRCh37 (hg19) VCF-style: chr15-67477073-G-A.
Other names: p.V294M:GTG>ATG; c.565G>A, p.Val189Met (NM_001145102.2); c.748G>A, p.Val250Met (NM_001145103.2); c.295G>A, p.Val99Met (NM_001145104.2); short protein forms V294M, V99M, V189M, V250M.
Identifiers: ClinVar variation 213770 (VCV000213770.8), dbSNP rs863223744, ClinGen allele CA322183.